The following is an entry in ClinVar:

NM_000969.5(RPL5):c.74-2del

Genes: DIPK1A (divergent protein kinase domain 1A; minus strand), RPL5 (ribosomal protein L5; plus strand). Cytogenetic location: 1p22.1.
Variant type: Deletion.
Coding change: c.74-2del on transcript NM_000969.5 (MANE Select); the canonical splice acceptor site of the intron before coding-DNA position 74, one base deleted (A; older notation c.74-2delA).
Molecular consequence: splice acceptor variant. On other transcripts: intron variant (1).
Genome position (GRCh38, 1-based): chr1:92,833,543, A deleted. VCF-style (leftmost placement, unchanged base first): chr1-92833542-CA-C. GRCh37 (hg19) VCF-style: chr1-93299099-CA-C.
Other names: c.475-509del (NM_001252273.2).
Identifiers: ClinVar variation 2033977 (VCV002033977.4), dbSNP rs2524448221, ClinGen allele CA2580063315.

ClinVar aggregate classification (germline): Likely pathogenic (1 of 4 stars; one submission).

Conditions:
Diamond-Blackfan anemia. Also called: Blackfan Diamond syndrome; Aregenerative anemia chronic congenital; Red cell aplasia, pure hereditary; Congenital hypoplastic anemia; Aase syndrome. Identifiers: Orphanet 124, MedGen C1260899, MeSH D029503, MONDO:0015253, HP:0004810.

Submission:

Labcorp Genetics (formerly Invitae), Labcorp
Classification: Likely pathogenic for Diamond-Blackfan anemia. Last evaluated: 2022-10-12. Review status: criteria provided, single submitter. Criteria: Invitae Variant Classification Sherloc (09022015). Collection method: clinical testing. Allele origin: germline.
Comment: In summary, the currently available evidence indicates that the variant is pathogenic, but additional data are needed to prove that conclusively. Therefore, this variant has been classified as Likely Pathogenic. Algorithms developed to predict the effect of sequence changes on RNA splicing suggest that this variant may disrupt the consensus splice site. This variant has not been reported in the literature in individuals affected with RPL5-related conditions. This variant is not present in population databases (gnomAD no frequency). This sequence change affects a splice site in intron 2 of the RPL5 gene. It is expected to disrupt RNA splicing. Variants that disrupt the donor or acceptor splice site typically lead to a loss of protein function (PMID: 16199547), and loss-of-function variants in RPL5 are known to be pathogenic (PMID: 19061985, 19773262).

Literature cited by the submitters: PubMed 16199547; PubMed 19061985; PubMed 19773262.